The following is an entry in ClinVar:

ClinVar aggregate classification (germline): Conflicting classifications of pathogenicity. Review status: criteria provided, conflicting classifications (1 of 4 stars). 3 submissions from 3 submitters: Uncertain significance (2); Likely benign (1). Last evaluated 2026-02-09.

Conditions:
Hereditary cancer-predisposing syndrome. Also called: Tumor predisposition; Hereditary Cancer Syndrome; Neoplastic Syndromes, Hereditary; Hereditary neoplastic syndrome. Identifiers: Orphanet 140162, MedGen C0027672, MeSH D009386, MONDO:0015356.
Multiple endocrine neoplasia type 4. Also called: MULTIPLE ENDOCRINE NEOPLASIA, TYPE IV. Identifiers: Orphanet 276152, MedGen C1970712, MONDO:0012552, OMIM 610755.

Allele frequency attached by ClinVar (database versions not stated): gnomAD exomes below 0.00001; ExAC 0.00001; TOPMed 0.00001; gnomAD 0.00003; 1000 Genomes Project 30x 0.00016; 1000 Genomes Project 0.00020.
gnomAD v4.1: 6 of 1,600,246 alleles (0.00037%); highest among the groups gnomAD compares: African/African-American, 0.008%; no homozygotes.

Submissions (3):

Ambry Genetics
Classification: Likely benign for Hereditary cancer-predisposing syndrome. Last evaluated: 2026-02-09. Review status: criteria provided, single submitter. Criteria: Ambry Variant Classification Scheme 2023. Collection method: clinical testing. Allele origin: germline.

Labcorp Genetics (formerly Invitae), Labcorp
Classification: Uncertain significance for Multiple endocrine neoplasia type 4. Last evaluated: 2025-12-10. Review status: criteria provided, single submitter. Criteria: Invitae Variant Classification Sherloc (09022015). Collection method: clinical testing. Allele origin: germline.
Comment: This sequence change falls in intron 1 of the CDKN1B gene. It does not directly change the encoded amino acid sequence of the CDKN1B protein. It affects a nucleotide within the consensus splice site. This variant is present in population databases (rs575418074, gnomAD 0.008%). This variant has not been reported in the literature in individuals affected with CDKN1B-related conditions. ClinVar contains an entry for this variant (Variation ID: 536832). Variants that disrupt the consensus splice site are a relatively common cause of aberrant splicing (PMID: 17576681, 9536098). Algorithms developed to predict the effect of sequence changes on RNA splicing suggest that this variant may disrupt the consensus splice site. In summary, the available evidence is currently insufficient to determine the role of this variant in disease. Therefore, it has been classified as a Variant of Uncertain Significance.

Sema4
Classification: Uncertain significance for Hereditary cancer-predisposing syndrome. Last evaluated: 2021-08-16. Review status: criteria provided, single submitter. Criteria: Sema4 Curation Guidelines. Collection method: curation. Allele origin: germline.
Comment: The CDKN1B c.475+3A>G variant has not been reported in the literature to our knowledge. It was observed in 2/24432 chromosomes of the African/African American subpopulation in the large and broad cohorts of the Genome Aggregation Database (PMID: 32461654). The variant has been reported in ClinVar (Variation ID 536832). In silico tools suggest the variant may potentially have an impact on splicing, though these predictions have not been confirmed by functional studies. The evidence is insufficient to meet ACMG/AMP criteria for classifying the variant as benign or pathogenic. Thus, the clinical significance of this variant is currently uncertain.

Literature cited by the submitters: PubMed 17576681 (cited by Labcorp Genetics (formerly Invitae), Labcorp); PubMed 9536098 (cited by Labcorp Genetics (formerly Invitae), Labcorp).

NM_004064.5(CDKN1B):c.475+3A>G

Gene: CDKN1B (cyclin dependent kinase inhibitor 1B; plus strand). Cytogenetic location: 12p13.1.
Variant type: single nucleotide variant.
Coding change: c.475+3A>G on transcript NM_004064.5 (MANE Select); 3 bases into the intron after coding-DNA position 475, A replaced by G.
Molecular consequence: intron variant.
Genome position (GRCh38, 1-based): chr12:12,718,317, A>G. VCF-style: chr12-12718317-A-G. GRCh37 (hg19) VCF-style: chr12-12871251-A-G.
Identifiers: ClinVar variation 536832 (VCV000536832.12), dbSNP rs575418074, ClinGen allele CA6457510.
Genomic context (GRCh38, chr12:12,718,317, plus strand): 5'-AGCCAGACGGGGTTAGCGGAGCAATGCGCAGGAATAAGGAAGCGACCTGCAACCGACGGT[A>G]ATGACCCTTTCCCAACCATAGAATGTGTTTGGGGCCCCGCTTTGCCTGCTGGAGGGTGTT-3'